The following is an entry in ClinVar:

ClinVar aggregate classification (germline): Uncertain significance (1 of 4 stars; one submission).

Conditions:
ADCY3-related disorder. Also called: ADCY3-related condition.

gnomAD v4.1: 1 of 1,613,954 alleles (0.000062%); highest among the groups gnomAD compares: Non-Finnish European, 0.000085%; no homozygotes.

Submission:

PreventionGenetics, part of Exact Sciences
Classification: Uncertain significance for ADCY3-related condition. Last evaluated: 2026-05-26. Review status: criteria provided, single submitter. Criteria: ACMG Guidelines, 2015. Collection method: clinical testing. Allele origin: germline.
Comment: The ADCY3 c.310A>G variant is predicted to result in the amino acid substitution p.Lys104Glu. To our knowledge, this variant has not been reported in the literature or in a large population database (gnomAD), indicating this variant is rare. At this time, the clinical significance of this variant is uncertain due to the absence of conclusive functional and genetic evidence.

NM_004036.5(ADCY3):c.310A>G (p.Lys104Glu)

Gene: ADCY3 (adenylate cyclase 3; minus strand). Cytogenetic location: 2p23.3.
Variant type: single nucleotide variant.
Coding change: c.310A>G on transcript NM_004036.5 (MANE Select); coding-DNA position 310, A replaced by G.
Protein change: p.Lys104Glu; replaces lysine 104 with glutamic acid.
Molecular consequence: missense variant.
Genome position (GRCh38, 1-based): chr2:24,918,678, T>C on the plus strand (A>G on the coding strand, the complement: ADCY3 is on the minus strand). VCF-style: chr2-24918678-T-C. GRCh37 (hg19) VCF-style: chr2-25141547-T-C.
Other names: c.310A>G, p.Lys104Glu (NM_001320613.2, NM_001377128.1, NM_001377129.1 and 2 more transcripts); short protein forms K104E.
Identifiers: ClinVar variation 4994128 (VCV004994128.1).